The following is an entry in ClinVar:

ClinVar aggregate classification (germline): Conflicting classifications of pathogenicity. Review status: criteria provided, conflicting classifications (1 of 4 stars). 3 submissions from 3 submitters: Uncertain significance (1); Likely benign (2). Last evaluated 2026-06-28.

Conditions:
CLN3-related disorder. Also called: CLN3-related condition. Identifiers: MedGen CN382248.

Submissions (3):

PreventionGenetics, part of Exact Sciences
Classification: Likely benign for CLN3-related condition. Last evaluated: 2026-06-28. Review status: criteria provided, single submitter. Criteria: ACMG Guidelines, 2015. Collection method: clinical testing. Allele origin: germline.
Comment: This variant is classified as likely benign based on ACMG/AMP sequence variant interpretation guidelines (Richards et al. 2015 PMID: 25741868, with internal and published modifications).

Women's Health and Genetics/Laboratory Corporation of America, LabCorp
Classification: Uncertain significance. Last evaluated: 2026-06-08. Review status: criteria provided, single submitter. Criteria: LabCorp Variant Classification Summary - May 2015. Collection method: clinical testing. Allele origin: germline.
Comment: Variant summary: CLN3 c.533+3A>G alters a nucleotide located close to a canonical splice site and therefore could affect mRNA splicing, leading to a significantly altered protein sequence. Consensus agreement among computation tools predict no significant impact on normal splicing. However, these predictions have yet to be confirmed by functional studies. The variant allele was found at a frequency of 4.1e-05 in 242800 control chromosomes. This frequency is not significantly higher than estimated for disease-causing variants in CLN3, allowing no conclusion about variant significance. To our knowledge, no occurrence of c.533+3A>G in individuals affected with CLN3-related conditions and no experimental evidence demonstrating its impact on protein function have been reported. No submitters have cited clinical-significance assessments for this variant to ClinVar. Based on the evidence outlined above, the variant was classified as uncertain significance.

Blueprint Genetics
Classification: Likely benign. Last evaluated: 2024-04-09. Review status: criteria provided, single submitter. Criteria: ACMG Guidelines, 2015. Collection method: clinical testing. Allele origin: germline.

NM_001042432.2(CLN3):c.533+3A>G

Gene: CLN3 (CLN3 lysosomal/endosomal transmembrane protein, battenin; minus strand). Cytogenetic location: 16p12.1.
Variant type: single nucleotide variant.
Coding change: c.533+3A>G on transcript NM_001042432.2 (MANE Select); 3 bases into the intron after coding-DNA position 533, A replaced by G.
Molecular consequence: intron variant.
Genome position (GRCh38, 1-based): chr16:28,486,575, T>C on the plus strand (A>G on the coding strand, the complement: CLN3 is on the minus strand). VCF-style: chr16-28486575-T-C. GRCh37 (hg19) VCF-style: chr16-28497896-T-C.
Other names: c.533+3A>G (NM_001042432.1, NM_000086.2); c.299+3A>G (NM_001286109.2); c.461+3A>G (NM_001286104.2); c.233+3A>G (NM_001286105.2); c.371+3A>G (NM_001286110.2).
Identifiers: ClinVar variation 4887441 (VCV004887441.3).